The following is an entry in ClinVar:

ClinVar aggregate classification (germline): Pathogenic (1 of 4 stars; one submission).

Submission:

Labcorp Genetics (formerly Invitae), Labcorp
Classification: Pathogenic. Last evaluated: 2024-08-28. Review status: criteria provided, single submitter. Criteria: Invitae Variant Classification Sherloc (09022015). Collection method: clinical testing. Allele origin: germline.
Comment: This sequence change creates a premature translational stop signal (p.Ser74*) in the TCTEX1D2 gene. It is expected to result in an absent or disrupted protein product. Loss-of-function variants in TCTEX1D2 are known to be pathogenic (PMID: 26044572). This variant is not present in population databases (gnomAD no frequency). This variant has not been reported in the literature in individuals affected with TCTEX1D2-related conditions. Algorithms developed to predict the effect of sequence changes on RNA splicing suggest that this variant may disrupt the consensus splice site. For these reasons, this variant has been classified as Pathogenic.

Literature cited by the submitters: PubMed 26044572.

NM_152773.5(DYNLT2B):c.221C>G (p.Ser74Ter)

Genes: DYNLT2B (dynein light chain Tctex-type 2B; minus strand), TM4SF19-DYNLT2B (TM4SF19-DYNLT2B readthrough (NMD candidate); minus strand). Cytogenetic location: 3q29.
Variant type: single nucleotide variant.
Coding change: c.221C>G on transcript NM_152773.5 (MANE Select); coding-DNA position 221, C replaced by G.
Protein change: p.Ser74Ter; replaces serine 74 with a stop codon.
Molecular consequence: nonsense. On other transcripts: non-coding transcript variant (1).
Genome position (GRCh38, 1-based): chr3:196,316,124, G>C on the plus strand (C>G on the coding strand, the complement: DYNLT2B is on the minus strand). VCF-style: chr3-196316124-G-C. GRCh37 (hg19) VCF-style: chr3-196042995-G-C.
Other names: c.221C>G, p.Ser74Ter (NM_001351628.2); short protein forms S74*.
Identifiers: ClinVar variation 3649518 (VCV003649518.2).